The following is an entry in ClinVar:

NM_001101426.4(CRPPA):c.220A>G (p.Arg74Gly)

Gene: CRPPA (CDP-L-ribitol pyrophosphorylase A; minus strand). Cytogenetic location: 7p21.2.
Variant type: single nucleotide variant.
Coding change: c.220A>G on transcript NM_001101426.4 (MANE Select); coding-DNA position 220, A replaced by G.
Protein change: p.Arg74Gly; replaces arginine 74 with glycine.
Molecular consequence: missense variant. On other transcripts: non-coding transcript variant (1).
Genome position (GRCh38, 1-based): chr7:16,421,103, T>C on the plus strand (A>G on the coding strand, the complement: CRPPA is on the minus strand). VCF-style: chr7-16421103-T-C. GRCh37 (hg19) VCF-style: chr7-16460728-T-C.
Other names: c.220A>G, p.Arg74Gly (NM_001101417.4, NM_001368197.1); short protein forms R74G.
Identifiers: ClinVar variation 1054657 (VCV001054657.11), dbSNP rs1788324318, ClinGen allele CA367003931.

ClinVar aggregate classification (germline): Uncertain significance (1 of 4 stars; one submission).

Conditions:
Autosomal recessive limb-girdle muscular dystrophy type 2U. Also called: MUSCULAR DYSTROPHY, LIMB-GIRDLE, TYPE 2U; Muscular dystrophy-dystroglycanopathy (limb-girdle), type c, 7. Identifiers: Orphanet 352479, MedGen C5190987, MONDO:0014474, OMIM 616052.
Muscular dystrophy-dystroglycanopathy (congenital with brain and eye anomalies), type A, 7. Also called: WALKER-WARBURG SYNDROME OR MUSCLE-EYE-BRAIN DISEASE, ISPD-RELATED; Congenital muscular dystrophy-dystroglycanopathy with brain and eye anomalies, type A7. Identifiers: Orphanet 899, MedGen C3553330, MONDO:0013835, OMIM 614643.

Allele frequency attached by ClinVar (database versions not stated): gnomAD exomes below 0.00001.
gnomAD v4.1: 3 of 1,299,694 alleles (0.00023%); highest among the groups gnomAD compares: Non-Finnish European, 0.0003%; no homozygotes.

Submission:

Labcorp Genetics (formerly Invitae), Labcorp
Classification: Uncertain significance for Muscular dystrophy-dystroglycanopathy (congenital with brain and eye anomalies), type A, 7; Autosomal recessive limb-girdle muscular dystrophy type 2U. Last evaluated: 2022-05-31. Review status: criteria provided, single submitter. Criteria: Invitae Variant Classification Sherloc (09022015). Collection method: clinical testing. Allele origin: germline.
Comment: This sequence change replaces arginine, which is basic and polar, with glycine, which is neutral and non-polar, at codon 74 of the ISPD protein (p.Arg74Gly). This variant is not present in population databases (gnomAD no frequency). This variant has not been reported in the literature in individuals affected with ISPD-related conditions. ClinVar contains an entry for this variant (Variation ID: 1054657). Algorithms developed to predict the effect of missense changes on protein structure and function are either unavailable or do not agree on the potential impact of this missense change (SIFT: "Deleterious"; PolyPhen-2: "Probably Damaging"; Align-GVGD: "Class C0"). In summary, the available evidence is currently insufficient to determine the role of this variant in disease. Therefore, it has been classified as a Variant of Uncertain Significance.